The following is an entry in ClinVar:

NM_022455.5(NSD1):c.4966+6G>A

Gene: NSD1 (nuclear receptor binding SET domain protein 1; plus strand). Cytogenetic location: 5q35.3.
Variant type: single nucleotide variant.
Coding change: c.4966+6G>A on transcript NM_022455.5 (MANE Select); 6 bases into the intron after coding-DNA position 4966, G replaced by A.
Molecular consequence: intron variant.
Genome position (GRCh38, 1-based): chr5:177,257,157, G>A. VCF-style: chr5-177257157-G-A. GRCh37 (hg19) VCF-style: chr5-176684158-G-A.
Other names: c.4966+6G>A (NM_001409301.1, NM_001409302.1, NM_001409303.1); c.4546+6G>A (NM_001409304.1); c.4213+6G>A (NM_001409305.1); c.4204+6G>A (NM_001409306.1, NM_001409307.1); c.4093+6G>A (NM_001409308.1, NM_172349.5, NM_001409309.1 and 1 more transcripts).
Identifiers: ClinVar variation 1038062 (VCV001038062.43), dbSNP rs373129093, ClinGen allele CA3577735.

ClinVar aggregate classification (germline): Conflicting classifications of pathogenicity. Review status: criteria provided, conflicting classifications (1 of 4 stars). 5 submissions from 5 submitters: Uncertain significance (1); Likely benign (4). Last evaluated 2025-09-01.

Conditions:
Sotos syndrome (SOTOS). Also called: CHROMOSOME 5q35 DELETION SYNDROME; Distinctive facial appearance, overgrowth in childhood, and learning disabilities or delayed development; CEREBRAL GIGANTISM; Sotos' syndrome; SOTOS SYNDROME 1. Identifiers: Orphanet 821, MedGen C0175695, MONDO:0019349, OMIM 117550.

Allele frequency attached by ClinVar (database versions not stated): gnomAD exomes 0.00004; ExAC 0.00006; TOPMed 0.00006; ESP Exome Variant Server 0.00008; gnomAD 0.00009 and 0.00010.
gnomAD v4.1: 94 of 1,610,368 alleles (0.0058%); highest among the groups gnomAD compares: Non-Finnish European, 0.0076%; no homozygotes.

Submissions (5):

CeGaT Center for Human Genetics Tuebingen
Classification: Likely benign. Last evaluated: 2025-09-01. Review status: criteria provided, single submitter. Criteria: CeGaT Center For Human Genetics Tuebingen Variant Classification Criteria Version 2. Collection method: clinical testing. Allele origin: germline. Affected: yes. Observed: 3 variant alleles.
Comment: NSD1: BP4, BS2

Labcorp Genetics (formerly Invitae), Labcorp
Classification: Uncertain significance. Last evaluated: 2025-06-23. Review status: criteria provided, single submitter. Criteria: Invitae Variant Classification Sherloc (09022015). Collection method: clinical testing. Allele origin: germline.
Comment: This sequence change falls in intron 13 of the NSD1 gene. It does not directly change the encoded amino acid sequence of the NSD1 protein. It affects a nucleotide within the consensus splice site. This variant is present in population databases (rs373129093, gnomAD 0.01%). This variant has not been reported in the literature in individuals affected with NSD1-related conditions. ClinVar contains an entry for this variant (Variation ID: 1038062). Variants that disrupt the consensus splice site are a relatively common cause of aberrant splicing (PMID: 17576681, 9536098). Algorithms developed to predict the effect of sequence changes on RNA splicing suggest that this variant is not likely to affect RNA splicing. In summary, the available evidence is currently insufficient to determine the role of this variant in disease. Therefore, it has been classified as a Variant of Uncertain Significance.

Blueprint Genetics
Classification: Likely benign. Last evaluated: 2024-08-19. Review status: criteria provided, single submitter. Criteria: ACMG Guidelines, 2015. Collection method: clinical testing. Allele origin: germline.

Genome-Nilou Lab
Classification: Likely benign for Sotos syndrome. Last evaluated: 2021-07-15. Review status: criteria provided, single submitter. Criteria: ACMG Guidelines, 2015. Collection method: clinical testing. Allele origin: germline. Affected: no.

GeneDx
Classification: Likely benign. Last evaluated: 2020-04-08. Review status: criteria provided, single submitter. Criteria: GeneDx Variant Classification Process June 2021. Collection method: clinical testing. Allele origin: germline. Affected: yes.

Literature cited by the submitters: PubMed 17576681 (cited by Labcorp Genetics (formerly Invitae), Labcorp); PubMed 9536098 (cited by Labcorp Genetics (formerly Invitae), Labcorp).